The following is an entry in ClinVar:

ClinVar aggregate classification (germline): Likely pathogenic (1 of 4 stars; one submission).

Conditions:
Landau-Kleffner syndrome (FESD). Also called: EPILEPSY, FOCAL, WITH SPEECH DISORDER AND WITH OR WITHOUT MENTAL RETARDATION; APHASIA, ACQUIRED, WITH EPILEPSY. Identifiers: Orphanet 1945, Orphanet 725, Orphanet 98818, MedGen C0282512, MONDO:0009509, OMIM 245570.

Submission:

Labcorp Genetics (formerly Invitae), Labcorp
Classification: Likely pathogenic for Landau-Kleffner syndrome. Last evaluated: 2022-07-12. Review status: criteria provided, single submitter. Criteria: Invitae Variant Classification Sherloc (09022015). Collection method: clinical testing. Allele origin: germline.
Comment: This variant, c.2075_2116dup, results in the insertion of 14 amino acid(s) of the GRIN2A protein (p.Arg692_Met705dup), but otherwise preserves the integrity of the reading frame. This variant is not present in population databases (gnomAD no frequency). This variant has been observed in individual(s) with GRIN2A-related conditions (Invitae). In at least one individual the variant was observed to be de novo. ClinVar contains an entry for this variant (Variation ID: 1510767). Algorithms developed to predict the effect of sequence changes on RNA splicing suggest that this variant may create or strengthen a splice site. In summary, the currently available evidence indicates that the variant is pathogenic, but additional data are needed to prove that conclusively. Therefore, this variant has been classified as Likely Pathogenic.

NM_001134407.3(GRIN2A):c.2075_2116dup (p.Arg692_Met705dup)

Gene: GRIN2A (glutamate ionotropic receptor NMDA type subunit 2A; minus strand). Cytogenetic location: 16p13.2.
Variant type: Duplication.
Coding change: c.2075_2116dup on transcript NM_001134407.3 (MANE Select); coding-DNA positions 2075 to 2116, 42 bases duplicated.
Protein change: p.Arg692_Met705dup.
Molecular consequence: inframe insertion.
Genome position (GRCh38, 1-based): chr16:9,822,316-9,822,357, 42 bases duplicated; duplicating any 42 consecutive bases within chr16:9,822,316-9,822,359 gives the same sequence; the c. name uses the placement nearest the transcript's 3' end. GRCh37 (hg19): chr16:9,916,175-9,916,216.
Other names: c.2075_2116dup, p.Arg692_Met705dup (NM_000833.5, NM_001134408.2).
Identifiers: ClinVar variation 1510767 (VCV001510767.8), dbSNP rs2141294782, ClinGen allele CA2573152113.
Genomic context (GRCh38, chr16:9,822,315, plus strand): 5'-CATCCTTACCCCGTTTTCAGGCTGACCAAGGCGTCCTCTACTCCTTTCTGATTAAATTTG[G>GTCATGTACTGATGCATGTAGGGATAGTTATTCCGAATGTTTC]TCATGTACTGATGCATGTAGGGATAGTTATTCCGAATGTTTCTCTCCGTGCTTCCATTAG-3'